The following is an entry in ClinVar:

NM_001379659.1(ZNF142):c.1386C>G (p.Phe462Leu)

Gene: ZNF142 (zinc finger protein 142; minus strand). Cytogenetic location: 2q35.
Variant type: single nucleotide variant.
Coding change: c.1386C>G on transcript NM_001379659.1 (MANE Select); coding-DNA position 1386, C replaced by G.
Protein change: p.Phe462Leu; replaces phenylalanine 462 with leucine.
Molecular consequence: missense variant.
Genome position (GRCh38, 1-based): chr2:218,649,122, G>C on the plus strand (C>G on the coding strand, the complement: ZNF142 is on the minus strand). VCF-style: chr2-218649122-G-C. GRCh37 (hg19) VCF-style: chr2-219513845-G-C.
Other names: c.786C>G, p.Phe262Leu (NM_001366291.3, NM_001379662.1, NM_001105537.5); c.1386C>G, p.Phe462Leu (NM_001379660.1, NM_001379661.1, NM_001366290.3); c.297C>G, p.Phe99Leu (NM_001366287.3, NM_001366288.3, NM_001366289.3); short protein forms F262L, F99L, F462L.
Identifiers: ClinVar variation 4206572 (VCV004206572.2).

ClinVar aggregate classification (germline): Uncertain significance. Review status: criteria provided, multiple submitters, no conflicts (2 of 4 stars). 2 submissions from 2 submitters: Uncertain significance (2). Last evaluated 2025-10-20.

Conditions:
Inborn genetic diseases. Identifiers: MedGen C0950123, MeSH D030342.

gnomAD v4.1: 3 of 1,614,030 alleles (0.00019%); highest among the groups gnomAD compares: Non-Finnish European, 0.00025%; no homozygotes.

Submissions (2):

Greenwood Genetic Center Diagnostic Laboratories, Greenwood Genetic Center
Classification: Uncertain significance. Last evaluated: 2025-10-20. Review status: criteria provided, single submitter. Criteria: ACMG Guidelines, 2015. Collection method: clinical testing. Allele origin: germline. Affected: yes.
Comment: PM2

Ambry Genetics
Classification: Uncertain significance for Inborn genetic diseases. Last evaluated: 2025-06-18. Review status: criteria provided, single submitter. Criteria: Ambry Variant Classification Scheme 2023. Collection method: clinical testing. Allele origin: germline.